The following is an entry in ClinVar:

NM_033380.3(COL4A5):c.2767+2T>G

Gene: COL4A5 (collagen type IV alpha 5 chain; plus strand). Cytogenetic location: Xq22.3.
Variant type: single nucleotide variant.
Coding change: c.2767+2T>G on transcript NM_033380.3 (MANE Select); the canonical splice donor site of the intron after coding-DNA position 2767, T replaced by G.
Molecular consequence: splice donor variant.
Genome position (GRCh38, 1-based): chrX:108,621,894, T>G. VCF-style: chrX-108621894-T-G. GRCh37 (hg19) VCF-style: chrX-107865124-T-G.
Other names: c.2767+2T>G (NM_000495.5).
Identifiers: ClinVar variation 4854087 (VCV004854087.1).
Genomic context (GRCh38, chrX:108,621,894, plus strand): 5'-TCCAGGCCCACCAGGACCTTTGGGAATTCCTGGCAGGAGTGGTGTACCTGGTCTTAAAGG[T>G]AATAATCAAGGTTTGCTGCCAGACGTATGTGAGAGGGAAAATTAAATATAGCTTTATGTC-3'

ClinVar aggregate classification (germline): Likely pathogenic (1 of 4 stars; one submission).

Conditions:
X-linked Alport syndrome (ATS1). Also called: NEPHROPATHY AND DEAFNESS, X-LINKED; COL4A5-Related Nephropathy. Identifiers: Orphanet 63, Orphanet 88917, MedGen C4746986, MONDO:0010520, OMIM 301050.

Submission:

3billion
Classification: Likely pathogenic for X-linked Alport syndrome. Last evaluated: 2025-06-10. Review status: criteria provided, single submitter. Criteria: ACMG Guidelines, 2015. Collection method: clinical testing. Allele origin: germline. Affected: yes.
Comment: The variant is not observed in the gnomAD v4.1.0 dataset. Predicted Consequence/Location: Canonical splice site: predicted to alter splicing and result in a loss or disruption of normal protein function. Multiple pathogenic loss-of-function variants are reported downstream of the variant. In silico tools predict the variant to alter splicing and produce an abnormal transcript [SpliceAI: 0.98 (spliceogenicity >=0.2, non-spliceogenicity <0.1)]. Therefore, this variant is classified as Likely pathogenic according to the recommendation of ACMG/AMP guideline.